The following is an entry in ClinVar:

NM_018960.6(GNMT):c.113C>A (p.Thr38Asn)

Genes: CNPY3-GNMT (CNPY3-GNMT readthrough; plus strand), GNMT (glycine N-methyltransferase; plus strand). Cytogenetic location: 6p21.1.
Variant type: single nucleotide variant.
Coding change: c.113C>A on transcript NM_018960.6 (MANE Select); coding-DNA position 113, C replaced by A.
Protein change: p.Thr38Asn; replaces threonine 38 with asparagine.
Molecular consequence: missense variant. On other transcripts: non-coding transcript variant (1), intron variant (3).
Genome position (GRCh38, 1-based): chr6:42,960,880, C>A. VCF-style: chr6-42960880-C-A. GRCh37 (hg19) VCF-style: chr6-42928618-C-A.
Other names: c.9-1332C>A (NM_001318856.2); c.152-1882C>A (NM_001318857.2, NM_001318858.2); c.113C>A, p.Thr38Asn (NM_001318865.2); short protein forms T38N.
Identifiers: ClinVar variation 2899425 (VCV002899425.3), dbSNP rs745619141, ClinGen allele CA364143373.

ClinVar aggregate classification (germline): Uncertain significance (1 of 4 stars; one submission).

gnomAD v4.1: 10 of 1,554,020 alleles (0.00064%); highest among the groups gnomAD compares: Middle Eastern, 0.017%; no homozygotes.

Submission:

Labcorp Genetics (formerly Invitae), Labcorp
Classification: Uncertain significance. Last evaluated: 2023-07-29. Review status: criteria provided, single submitter. Criteria: Invitae Variant Classification Sherloc (09022015). Collection method: clinical testing. Allele origin: germline.
Comment: An algorithm developed to predict the effect of missense changes on protein structure and function (PolyPhen-2) suggests that this variant is likely to be tolerated. This sequence change replaces threonine, which is neutral and polar, with asparagine, which is neutral and polar, at codon 38 of the GNMT protein (p.Thr38Asn). This variant is not present in population databases (gnomAD no frequency). This variant has not been reported in the literature in individuals affected with GNMT-related conditions. In summary, the available evidence is currently insufficient to determine the role of this variant in disease. Therefore, it has been classified as a Variant of Uncertain Significance.